The following is an entry in ClinVar:

ClinVar aggregate classification (germline): Uncertain significance (1 of 4 stars; one submission).

Submission:

Labcorp Genetics (formerly Invitae), Labcorp
Classification: Uncertain significance. Last evaluated: 2022-08-10. Review status: criteria provided, single submitter. Criteria: Invitae Variant Classification Sherloc (09022015). Collection method: clinical testing. Allele origin: germline.
Comment: In summary, the available evidence is currently insufficient to determine the role of this variant in disease. Therefore, it has been classified as a Variant of Uncertain Significance. Advanced modeling of protein sequence and biophysical properties (such as structural, functional, and spatial information, amino acid conservation, physicochemical variation, residue mobility, and thermodynamic stability) performed at Invitae indicates that this missense variant is not expected to disrupt LRP2 protein function. This variant has not been reported in the literature in individuals affected with LRP2-related conditions. This variant is not present in population databases (gnomAD no frequency). This sequence change replaces arginine, which is basic and polar, with glycine, which is neutral and non-polar, at codon 1841 of the LRP2 protein (p.Arg1841Gly).

NM_004525.3(LRP2):c.5521A>G (p.Arg1841Gly)

Gene: LRP2 (LDL receptor related protein 2; minus strand). Cytogenetic location: 2q31.1.
Variant type: single nucleotide variant.
Coding change: c.5521A>G on transcript NM_004525.3 (MANE Select); coding-DNA position 5521, A replaced by G.
Protein change: p.Arg1841Gly; replaces arginine 1841 with glycine.
Molecular consequence: missense variant.
Genome position (GRCh38, 1-based): chr2:169,225,327, T>C on the plus strand (A>G on the coding strand, the complement: LRP2 is on the minus strand). VCF-style: chr2-169225327-T-C. GRCh37 (hg19) VCF-style: chr2-170081837-T-C.
Other names: short protein forms R1841G.
Identifiers: ClinVar variation 1977970 (VCV001977970.5), dbSNP rs2545849976, ClinGen allele CA349138990.
Genomic context (GRCh38, chr2:169,225,327, plus strand): 5'-TCTAAATCCAATGTTTGTGTAAGTAGTATTATGGAATCATTACCTCGATTGACTGAGTTC[T>C]AGGATTGGTAGAATAAAGGTTTCTTGAAATCCAATCTAAGGCCAGGTTCATAGAAGGCCC-3'
Protein context (NP_004516.2, residues 1831-1851): ISRNLYSTNP[Arg1841Gly]TQSIEVLTLH